The following is an entry in ClinVar:

NM_033225.6(CSMD1):c.8211A>T (p.Thr2737=)

Genes: CSMD1 (CUB and Sushi multiple domains 1; minus strand), LOC105377785 (uncharacterized LOC105377785; plus strand). Cytogenetic location: 8p23.2.
Variant type: single nucleotide variant.
Coding change: c.8211A>T on transcript NM_033225.6 (MANE Select); coding-DNA position 8211, A replaced by T.
Protein change: p.Thr2737=; no amino-acid change (threonine 2737 retained).
Molecular consequence: synonymous variant.
Genome position (GRCh38, 1-based): chr8:2,998,177, T>A on the plus strand (A>T on the coding strand, the complement: CSMD1 is on the minus strand). VCF-style: chr8-2998177-T-A. GRCh37 (hg19) VCF-style: chr8-2855699-T-A.
Identifiers: ClinVar variation 2658319 (VCV002658319.24), dbSNP rs114511299, ClinGen allele CA4605663.

ClinVar aggregate classification (germline): Likely benign (1 of 4 stars; one submission).

Allele frequency attached by ClinVar (database versions not stated): ESP Exome Variant Server 0.00227; 1000 Genomes Project 0.00300; 1000 Genomes Project 30x 0.00328.
gnomAD v4.1: 737 of 1,613,918 alleles (0.046%); highest among the groups gnomAD compares: African/African-American, 0.88%; 3 homozygotes.

Submission:

CeGaT Center for Human Genetics Tuebingen
Classification: Likely benign. Last evaluated: 2022-12-01. Review status: criteria provided, single submitter. Criteria: CeGaT Center For Human Genetics Tuebingen Variant Classification Criteria Version 2. Collection method: clinical testing. Allele origin: germline. Affected: yes. Observed: 1 variant allele.
Comment: CSMD1: BP4, BP7, BS2